The following is an entry in ClinVar:

ClinVar aggregate classification (germline): Uncertain significance (1 of 4 stars; one submission).

Conditions:
Quebec platelet disorder (QPD). Also called: BLEEDING DISORDER, PLATELET-TYPE, 5; FACTOR V QUEBEC. Identifiers: Orphanet 220436, MedGen C1866423, MONDO:0011136, OMIM 601709.

Allele frequency attached by ClinVar (database versions not stated): TOPMed 0.00001; ExAC 0.00001; gnomAD exomes 0.00001.

Submission:

Baylor Genetics
Classification: Uncertain significance for Quebec platelet disorder. Last evaluated: 2020-07-09. Review status: criteria provided, single submitter. Criteria: ACMG Guidelines, 2015. Collection method: clinical testing. Allele origin: unknown. Affected: yes.
Comment: This variant was determined to be of uncertain significance according to ACMG Guidelines, 2015 [PMID:25741868].

NM_002658.6(PLAU):c.1229C>T (p.Thr410Met)

Genes: C10orf55 (chromosome 10 putative open reading frame 55; minus strand), PLAU (plasminogen activator, urokinase; plus strand). Cytogenetic location: 10q22.2.
Variant type: single nucleotide variant.
Coding change: c.1229C>T on transcript NM_002658.6 (MANE Select); coding-DNA position 1229, C replaced by T.
Protein change: p.Thr410Met; replaces threonine 410 with methionine.
Molecular consequence: missense variant.
Genome position (GRCh38, 1-based): chr10:73,916,498, C>T. VCF-style: chr10-73916498-C-T. GRCh37 (hg19) VCF-style: chr10-75676256-C-T.
Other names: c.1178C>T, p.Thr393Met (NM_001145031.3); c.971C>T, p.Thr324Met (NM_001319191.2); short protein forms T393M, T410M, T324M.
Identifiers: ClinVar variation 1029617 (VCV001029617.1), dbSNP rs764252595, ClinGen allele CA5562667.
Genomic context (GRCh38, chr10:73,916,498, plus strand): 5'-TGACTGGAATTGTGAGCTGGGGCCGTGGATGTGCCCTGAAGGACAAGCCAGGCGTCTACA[C>T]GAGAGTCTCACACTTCTTACCCTGGATCCGCAGTCACACCAAGGAAGAGAATGGCCTGGC-3'
Protein context (NP_002649.2, residues 400-420): CALKDKPGVY[Thr410Met]RVSHFLPWIR